The following is an entry in ClinVar:

ClinVar aggregate classification (germline): Uncertain significance (1 of 4 stars; one submission).

Submission:

CeGaT Center for Human Genetics Tuebingen
Classification: Uncertain significance. Last evaluated: 2023-08-01. Review status: criteria provided, single submitter. Criteria: CeGaT Center For Human Genetics Tuebingen Variant Classification Criteria Version 2. Collection method: clinical testing. Allele origin: germline. Affected: yes. Observed: 1 variant allele.
Comment: APC2: PM2, PP3

NM_005883.3(APC2):c.3937C>T (p.Leu1313Phe)

Gene: APC2 (APC regulator of Wnt signaling pathway 2; plus strand). Cytogenetic location: 19p13.3.
Variant type: single nucleotide variant.
Coding change: c.3937C>T on transcript NM_005883.3 (MANE Select); coding-DNA position 3937, C replaced by T.
Protein change: p.Leu1313Phe; replaces leucine 1313 with phenylalanine.
Molecular consequence: missense variant.
Genome position (GRCh38, 1-based): chr19:1,467,238, C>T. VCF-style: chr19-1467238-C-T. GRCh37 (hg19) VCF-style: chr19-1467237-C-T.
Other names: c.3934C>T, p.Leu1312Phe (NM_001351273.1); short protein forms L1312F, L1313F.
Identifiers: ClinVar variation 2648928 (VCV002648928.24), dbSNP rs2512527460, ClinGen allele CA403033616.